The following is an entry in ClinVar:

NM_001082971.2(DDC):c.239T>G (p.Phe80Cys)

Genes: DDC (dopa decarboxylase; minus strand), DDC-AS1 (DDC antisense RNA 1; plus strand). Cytogenetic location: 7p12.1.
Variant type: single nucleotide variant.
Coding change: c.239T>G on transcript NM_001082971.2 (MANE Select); coding-DNA position 239, T replaced by G.
Protein change: p.Phe80Cys; replaces phenylalanine 80 with cysteine.
Molecular consequence: missense variant. On other transcripts: non-coding transcript variant (1), intron variant (2).
Genome position (GRCh38, 1-based): chr7:50,539,991, A>C on the plus strand (T>G on the coding strand, the complement: DDC is on the minus strand). VCF-style: chr7-50539991-A-C. GRCh37 (hg19) VCF-style: chr7-50607689-A-C.
Other names: c.239T>G, p.Phe80Cys (NM_000790.4, NM_001242887.2, NM_001242889.2 and 1 more transcripts); c.201+3894T>G (NM_001242888.2); c.202-2012T>G (NM_001242886.2); short protein forms F80C.
Identifiers: ClinVar variation 2122007 (VCV002122007.4), dbSNP rs2535490754, ClinGen allele CA367529814.
Genomic context (GRCh38, chr7:50,539,991, plus strand): 5'-CAGCCAATGGCCCCGCACAGCATGTCCGCAAGCATGGCCGGGTACGAGCTGGCAGTGGGG[A>C]AGTAGGCGAAGAAGTAGGGGCTGTGCCAGTGCGTCACCTGCATGGGAGGACAGAGCAGCT-3'
Protein context (NP_001076440.2, residues 70-90): HWHSPYFFAY[Phe80Cys]PTASSYPAML

ClinVar aggregate classification (germline): Uncertain significance (1 of 4 stars; one submission).

Conditions:
Deficiency of aromatic-L-amino-acid decarboxylase. Also called: AADC DEFICIENCY; DDC DEFICIENCY; DOPA DECARBOXYLASE DEFICIENCY; Aromatic L-Amino Acid Decarboxylase Deficiency; Aromatic amino acid decarboxylase deficiency. Identifiers: Orphanet 35708, MedGen C1291564, MONDO:0012084, OMIM 608643.

Submission:

Labcorp Genetics (formerly Invitae), Labcorp
Classification: Uncertain significance for Deficiency of aromatic-L-amino-acid decarboxylase. Last evaluated: 2022-10-18. Review status: criteria provided, single submitter. Criteria: Invitae Variant Classification Sherloc (09022015). Collection method: clinical testing. Allele origin: germline.
Comment: This sequence change replaces phenylalanine, which is neutral and non-polar, with cysteine, which is neutral and slightly polar, at codon 80 of the DDC protein (p.Phe80Cys). This variant is not present in population databases (gnomAD no frequency). This variant has not been reported in the literature in individuals affected with DDC-related conditions. Advanced modeling of protein sequence and biophysical properties (such as structural, functional, and spatial information, amino acid conservation, physicochemical variation, residue mobility, and thermodynamic stability) performed at Invitae indicates that this missense variant is expected to disrupt DDC protein function. In summary, the available evidence is currently insufficient to determine the role of this variant in disease. Therefore, it has been classified as a Variant of Uncertain Significance.